The following is an entry in ClinVar:

ClinVar aggregate classification (germline): Uncertain significance. Review status: criteria provided, multiple submitters, no conflicts (2 of 4 stars). 2 submissions from 2 submitters: Uncertain significance (2). Last evaluated 2026-02-11.

Conditions:
Hereditary cancer-predisposing syndrome. Also called: Hereditary Cancer Syndrome; Tumor predisposition; Neoplastic Syndromes, Hereditary; Hereditary neoplastic syndrome. Identifiers: Orphanet 140162, MedGen C0027672, MeSH D009386, MONDO:0015356.

Submissions (2):

Ambry Genetics
Classification: Uncertain significance for Hereditary cancer-predisposing syndrome. Last evaluated: 2026-02-11. Review status: criteria provided, single submitter. Criteria: Ambry Variant Classification Scheme 2023. Collection method: clinical testing. Allele origin: germline.
Comment: The c.3753-3C>T intronic variant results from a C to T substitution 3 nucleotides upstream from coding exon 25 in the RAD50 gene. This nucleotide position is highly conserved in available vertebrate species. In silico splice site analysis for this alteration is inconclusive. Based on the available evidence, the clinical significance of this variant remains unclear.

Labcorp Genetics (formerly Invitae), Labcorp
Classification: Uncertain significance for Hereditary cancer-predisposing syndrome. Last evaluated: 2022-02-09. Review status: criteria provided, single submitter. Criteria: Invitae Variant Classification Sherloc (09022015). Collection method: clinical testing. Allele origin: germline.
Comment: This sequence change falls in intron 24 of the RAD50 gene. It does not directly change the encoded amino acid sequence of the RAD50 protein. It affects a nucleotide within the consensus splice site. In summary, the available evidence is currently insufficient to determine the role of this variant in disease. Therefore, it has been classified as a Variant of Uncertain Significance. Variants that disrupt the consensus splice site are a relatively common cause of aberrant splicing (PMID: 17576681, 9536098). Algorithms developed to predict the effect of sequence changes on RNA splicing suggest that this variant is not likely to affect RNA splicing. ClinVar contains an entry for this variant (Variation ID: 824162). This variant has not been reported in the literature in individuals affected with RAD50-related conditions. This variant is not present in population databases (gnomAD no frequency).

Literature cited by the submitters: PubMed 17576681 (cited by Labcorp Genetics (formerly Invitae), Labcorp); PubMed 9536098 (cited by Labcorp Genetics (formerly Invitae), Labcorp).

NM_005732.4(RAD50):c.3753-3C>T

Genes: RAD50 (RAD50 double strand break repair protein; plus strand), TH2-LCR (Th2 cytokine locus control region; plus strand), TH2LCRR (T helper type 2 locus control region associated RNA; minus strand). Cytogenetic location: 5q31.1.
Variant type: single nucleotide variant.
Coding change: c.3753-3C>T on transcript NM_005732.4 (MANE Select); 3 bases into the intron before coding-DNA position 3753, C replaced by T.
Molecular consequence: intron variant.
Genome position (GRCh38, 1-based): chr5:132,642,175, C>T. VCF-style: chr5-132642175-C-T. GRCh37 (hg19) VCF-style: chr5-131977867-C-T.
Identifiers: ClinVar variation 824162 (VCV000824162.10), dbSNP rs1314312089, ClinGen allele CA915942561.